The following is an entry in ClinVar:

NM_015192.4(PLCB1):c.1489T>G (p.Phe497Val)

Gene: PLCB1 (phospholipase C beta 1; plus strand). Cytogenetic location: 20p12.3.
Variant type: single nucleotide variant.
Coding change: c.1489T>G on transcript NM_015192.4 (MANE Select); coding-DNA position 1489, T replaced by G.
Protein change: p.Phe497Val; replaces phenylalanine 497 with valine.
Molecular consequence: missense variant.
Genome position (GRCh38, 1-based): chr20:8,717,824, T>G. VCF-style: chr20-8717824-T-G. GRCh37 (hg19) VCF-style: chr20-8698471-T-G.
Other names: c.1489T>G (NM_015192.2); c.1489T>G, p.Phe497Val (NM_182734.3); short protein forms F497V.
Identifiers: ClinVar variation 538892 (VCV000538892.15), dbSNP rs752634021, ClinGen allele CA9759954.

ClinVar aggregate classification (germline): Uncertain significance. Review status: criteria provided, multiple submitters, no conflicts (2 of 4 stars). 4 submissions from 4 submitters: Uncertain significance (4). Last evaluated 2026-01-13.

Conditions:
Inborn genetic diseases. Identifiers: MedGen C0950123, MeSH D030342.
Developmental and epileptic encephalopathy, 12 (DEE12). Identifiers: MedGen C3150988, MONDO:0013389, OMIM 613722.

Allele frequency attached by ClinVar (database versions not stated): gnomAD 0.00016 and 0.00014; gnomAD exomes 0.00001; TOPMed 0.00013; ExAC 0.00002.
gnomAD v4.1: 37 of 1,608,818 alleles (0.0023%); highest among the groups gnomAD compares: African/African-American, 0.05%; no homozygotes.

Submissions (4):

GeneDx
Classification: Uncertain significance. Last evaluated: 2026-01-13. Review status: criteria provided, single submitter. Criteria: GeneDx Variant Classification Process June 2021. Collection method: clinical testing. Allele origin: germline.
Comment: In silico analysis suggests that this missense variant does not alter protein structure/function; Has not been previously published as pathogenic or benign to our knowledge

Labcorp Genetics (formerly Invitae), Labcorp
Classification: Uncertain significance for Developmental and epileptic encephalopathy, 12. Last evaluated: 2022-10-17. Review status: criteria provided, single submitter. Criteria: Invitae Variant Classification Sherloc (09022015). Collection method: clinical testing. Allele origin: germline.
Comment: This sequence change replaces phenylalanine, which is neutral and non-polar, with valine, which is neutral and non-polar, at codon 497 of the PLCB1 protein (p.Phe497Val). This variant is present in population databases (rs752634021, gnomAD 0.03%). This variant has not been reported in the literature in individuals affected with PLCB1-related conditions. ClinVar contains an entry for this variant (Variation ID: 538892). Algorithms developed to predict the effect of missense changes on protein structure and function (SIFT, PolyPhen-2, Align-GVGD) all suggest that this variant is likely to be tolerated. In summary, the available evidence is currently insufficient to determine the role of this variant in disease. Therefore, it has been classified as a Variant of Uncertain Significance.

Ambry Genetics
Classification: Uncertain significance for Inborn genetic diseases. Last evaluated: 2022-01-10. Review status: criteria provided, single submitter. Criteria: Ambry Variant Classification Scheme 2023. Collection method: clinical testing. Allele origin: germline.

Illumina Laboratory Services, Illumina
Classification: Uncertain significance for Developmental and epileptic encephalopathy, 12. Last evaluated: 2018-01-12. Review status: criteria provided, single submitter. Criteria: ICSL Variant Classification Criteria 13 December 2019. Collection method: clinical testing. Allele origin: germline.